The following is an entry in ClinVar:

NM_025137.4(SPG11):c.7321_7328del (p.Ala2442fs)

Gene: SPG11 (SPG11 vesicle trafficking associated, spatacsin; minus strand). Cytogenetic location: 15q21.1.
Variant type: Deletion.
Coding change: c.7321_7328del on transcript NM_025137.4 (MANE Select); coding-DNA positions 7321 to 7328, 8 bases deleted (CTAGCAGG; older notation c.7321_7328delCTAGCAGG).
Protein change: p.Ala2442fs; shifts the reading frame from alanine 2442.
Molecular consequence: frameshift variant.
Genome position (GRCh38, 1-based): chr15:44,563,125-44,563,132, CCTGCTAG deleted on the plus strand (CTAGCAGG on the coding strand, the reverse complement: SPG11 is on the minus strand); deleting any 8 consecutive bases within chr15:44,563,125-44,563,133 gives the same sequence; the c. name uses the placement nearest the transcript's 3' end. VCF-style (leftmost placement, unchanged base first): chr15-44563124-ACCTGCTAG-A. GRCh37 (hg19) VCF-style: chr15-44855322-ACCTGCTAG-A.
Other names: c.6982_6989del, p.Ala2329fs (NM_001160227.2); short protein forms A2329fs, A2442fs.
Identifiers: ClinVar variation 1687152 (VCV001687152.1), dbSNP rs2140907903, ClinGen allele CA2573150846.

ClinVar aggregate classification (germline): Uncertain significance (1 of 4 stars; one submission).

Conditions:
Hereditary spastic paraplegia 11. Also called: Spastic Paraplegia 11; Spastic paraplegia, mental retardation and thin corpus callosum; Nakamura Osame syndrome; Autosomal recessive hereditary spastic paraplegia, mental impairment, and thin corpus callosum; SPASTIC PARAPLEGIA, AUTOSOMAL RECESSIVE, COMPLICATED, WITH THIN CORPUS CALLOSUM; SPASTIC PARAPLEGIA, AUTOSOMAL RECESSIVE, WITH MENTAL IMPAIRMENT AND THIN CORPUS CALLOSUM. Identifiers: Orphanet 2822, MedGen C1858479, MONDO:0011445, OMIM 604360.

Submission:

3billion
Classification: Uncertain significance for Hereditary spastic paraplegia 11. Last evaluated: 2022-05-22. Review status: criteria provided, single submitter. Criteria: ACMG Guidelines, 2015. Collection method: clinical testing. Allele origin: germline. Affected: yes. Observed: 1 heterozygote.
Comment: The variant is not observed in the gnomAD v2.1.1 dataset. Frameshift: predicted to result in a loss or disruption of normal protein function through protein truncation. The predicted truncated protein may be shortened by less than 10%. Therefore, this variant is classified as uncertain significanceaccording to the recommendation of ACMG/AMP guideline.